The following is an entry in ClinVar:

ClinVar aggregate classification (germline): Pathogenic (3 of 4 stars; one submission).

Conditions:
Breast-ovarian cancer, familial, susceptibility to, 2 (BROVCA2). Also called: BRCA2 Hereditary Breast and Ovarian Cancer. Identifiers: Orphanet 145, MedGen C2675520, MONDO:0012933, OMIM 612555. Disease mechanism: loss of function.

Submission:

Evidence-based Network for the Interpretation of Germline Mutant Alleles (ENIGMA)
Classification: Pathogenic for Breast-ovarian cancer, familial, susceptibility to, 2. Last evaluated: 2016-09-08. Review status: reviewed by expert panel. Criteria: ENIGMA BRCA1/2 Classification Criteria (2015). Collection method: curation. Allele origin: germline.
Comment: Variant allele predicted to encode a truncated non-functional protein.

NM_000059.4(BRCA2):c.5966C>A (p.Ser1989Ter)

Gene: BRCA2 (BRCA2 DNA repair associated; plus strand). Cytogenetic location: 13q13.1.
Variant type: single nucleotide variant.
Coding change: c.5966C>A on transcript NM_000059.4 (MANE Select); coding-DNA position 5966, C replaced by A.
Protein change: p.Ser1989Ter; replaces serine 1989 with a stop codon.
Molecular consequence: nonsense.
Genome position (GRCh38, 1-based): chr13:32,340,321, C>A. VCF-style: chr13-32340321-C-A. GRCh37 (hg19) VCF-style: chr13-32914458-C-A.
Other names: short protein forms S1989*.
Identifiers: ClinVar variation 254568 (VCV000254568.2), dbSNP rs886038134, ClinGen allele CA10586546.
Genomic context (GRCh38, chr13:32,340,321, plus strand): 5'-TCTCATCTGCAAATACTTGTGGGATTTTTAGCACAGCAAGTGGAAAATCTGTCCAGGTAT[C>A]AGATGCTTCATTACAAAACGCAAGACAAGTGTTTTCTGAAATAGAAGATAGTACCAAGCA-3'